The following is an entry in ClinVar:

ClinVar aggregate classification (germline): Conflicting classifications of pathogenicity. Review status: criteria provided, conflicting classifications (1 of 4 stars). 5 submissions from 4 submitters: Uncertain significance (1); Benign (1); Likely benign (3). Last evaluated 2025-12-30.

Conditions:
Regional enteritis. Also called: Enteritis, Granulomatous. Identifiers: MedGen C0678202, MeSH D003424.
Blau syndrome (BLAUS). Also called: GRANULOMATOSIS, FAMILIAL JUVENILE SYSTEMIC; GRANULOMATOSIS, FAMILIAL, BLAU TYPE; GRANULOMATOUS INFLAMMATORY ARTHRITIS, DERMATITIS, AND UVEITIS, FAMILIAL; JABS SYNDROME; ARTHROCUTANEOUVEAL GRANULOMATOSIS. Identifiers: Orphanet 90340, MedGen C5201146, MONDO:0008523, OMIM 186580.
Inflammatory bowel disease 1 (IBD1). Also called: Inflammatory bowel disease 1, Crohn disease; INFLAMMATORY BOWEL DISEASE (CROHN DISEASE) 1. Identifiers: MedGen CN260071, MONDO:0009960, OMIM 266600.
Autoinflammatory syndrome. Identifiers: Orphanet 93665, MedGen C3890737, MONDO:0019751.

Allele frequency attached by ClinVar (database versions not stated): gnomAD 0.00014 and 0.00016; gnomAD exomes 0.00015; TOPMed 0.00016; ExAC 0.00020; ESP Exome Variant Server 0.00023.
gnomAD v4.1: 404 of 1,614,050 alleles (0.025%); highest among the groups gnomAD compares: East Asian, 0.031%; no homozygotes.

Submissions (5):

Labcorp Genetics (formerly Invitae), Labcorp
Classification: Likely benign for Regional enteritis; Blau syndrome. Last evaluated: 2025-12-30. Review status: criteria provided, single submitter. Criteria: Invitae Variant Classification Sherloc (09022015). Collection method: clinical testing. Allele origin: germline.

CeGaT Center for Human Genetics Tuebingen
Classification: Likely benign. Last evaluated: 2024-07-01. Review status: criteria provided, single submitter. Criteria: CeGaT Center For Human Genetics Tuebingen Variant Classification Criteria Version 2. Collection method: clinical testing. Allele origin: germline. Affected: yes. Observed: 1 variant allele.
Comment: NOD2: BP4, BS2

Genome Diagnostics Laboratory, The Hospital for Sick Children
Classification: Uncertain significance for Autoinflammatory syndrome. Last evaluated: 2022-01-25. Review status: criteria provided, single submitter. Criteria: ACMG Guidelines, 2015. Collection method: clinical testing. Allele origin: germline. Affected: yes.

Illumina Laboratory Services, Illumina
Classification: Likely benign for Inflammatory bowel disease 1. Last evaluated: 2017-04-27. Review status: criteria provided, single submitter. Criteria: ICSL Variant Classification Criteria 13 December 2019. Collection method: clinical testing. Allele origin: germline.
Comment: This variant was observed as part of a predisposition screen in an ostensibly healthy population. A literature search was performed for the gene, cDNA change, and amino acid change (where applicable). No publications were found based on this search. Allele frequency data from public databases allowed determination this variant is unlikely to cause disease. Therefore, this variant is classified as likely benign.

Illumina Laboratory Services, Illumina
Classification: Benign for Blau syndrome. Last evaluated: 2017-04-27. Review status: criteria provided, single submitter. Criteria: ICSL Variant Classification Criteria 13 December 2019. Collection method: clinical testing. Allele origin: germline.
Comment: This variant was observed as part of a predisposition screen in an ostensibly healthy population. A literature search was performed for the gene, cDNA change, and amino acid change (where applicable). No publications were found based on this search. Allele frequency data from public databases was too high to be consistent with this variant causing disease. Therefore, this variant is classified as benign.

NM_001370466.1(NOD2):c.2845G>A (p.Ala949Thr)

Gene: NOD2 (nucleotide binding oligomerization domain containing 2; plus strand). Cytogenetic location: 16q12.1.
Variant type: single nucleotide variant.
Coding change: c.2845G>A on transcript NM_001370466.1 (MANE Select); coding-DNA position 2845, G replaced by A.
Protein change: p.Ala949Thr; replaces alanine 949 with threonine.
Molecular consequence: missense variant. On other transcripts: non-coding transcript variant (1).
Genome position (GRCh38, 1-based): chr16:50,725,532, G>A. VCF-style: chr16-50725532-G-A. GRCh37 (hg19) VCF-style: chr16-50759443-G-A.
Other names: c.2845G>A, p.Ala949Thr (NM_001293557.2); c.2926G>A, p.Ala976Thr (NM_022162.3); short protein forms A976T, A949T.
Identifiers: ClinVar variation 531609 (VCV000531609.36), dbSNP rs148561632, ClinGen allele CA8052024.